The following is an entry in ClinVar:

NM_025114.4(CEP290):c.5368C>G (p.Gln1790Glu)

Gene: CEP290 (centrosomal protein 290; minus strand). Cytogenetic location: 12q21.32.
Variant type: single nucleotide variant.
Coding change: c.5368C>G on transcript NM_025114.4 (MANE Select); coding-DNA position 5368, C replaced by G.
Protein change: p.Gln1790Glu; replaces glutamine 1790 with glutamic acid.
Molecular consequence: missense variant.
Genome position (GRCh38, 1-based): chr12:88,077,915, G>C on the plus strand (C>G on the coding strand, the complement: CEP290 is on the minus strand). VCF-style: chr12-88077915-G-C. GRCh37 (hg19) VCF-style: chr12-88471692-G-C.
Other names: short protein forms Q1790E.
Identifiers: ClinVar variation 5001935 (VCV005001935.1).

ClinVar aggregate classification (germline): Uncertain significance (1 of 4 stars; one submission).

Conditions:
CEP290-related disorder. Also called: CEP290-related condition; CEP290-related disorders. Identifiers: MedGen CN239314.

gnomAD v4.1: 3 of 1,253,480 alleles (0.00024%); highest among the groups gnomAD compares: Non-Finnish European, 0.00033%; no homozygotes.

Submission:

PreventionGenetics, part of Exact Sciences
Classification: Uncertain significance for CEP290-related condition. Last evaluated: 2025-03-02. Review status: criteria provided, single submitter. Criteria: ACMG Guidelines, 2015. Collection method: clinical testing. Allele origin: germline.
Comment: The CEP290 c.5368C>G variant is predicted to result in the amino acid substitution p.Gln1790Glu. To our knowledge, this variant has not been reported in the literature or in a large population database (gnomAD), indicating this variant is rare. At this time, the clinical significance of this variant is uncertain due to the absence of conclusive functional and genetic evidence.